The following is an entry in ClinVar:

ClinVar aggregate classification (germline): Conflicting classifications of pathogenicity. Review status: criteria provided, conflicting classifications (1 of 4 stars). 3 submissions from 3 submitters: Uncertain significance (1); Likely benign (1). 1 of the submissions does not count toward it. Last evaluated 2026-06-01.

Conditions:
CELSR1-related disorder. Also called: CELSR1-related condition.

Allele frequency attached by ClinVar (database versions not stated): gnomAD 0.00037; ExAC 0.00041; TOPMed 0.00042; ESP Exome Variant Server 0.00046.
gnomAD v4.1: 469 of 1,613,838 alleles (0.029%); highest among the groups gnomAD compares: Admixed American, 0.047%; 2 homozygotes.

Submissions (3):

CeGaT Center for Human Genetics Tuebingen
Classification: Likely benign. Last evaluated: 2026-06-01. Review status: criteria provided, single submitter. Criteria: CeGaT Center For Human Genetics Tuebingen Variant Classification Criteria Version 2. Collection method: clinical testing. Allele origin: germline. Affected: yes. Observed: 1 variant allele.
Comment: CELSR1: BS1

Ambry Genetics
Classification: Uncertain significance. Last evaluated: 2023-09-22. Review status: criteria provided, single submitter. Criteria: Ambry Variant Classification Scheme 2023. Collection method: clinical testing. Allele origin: germline.

PreventionGenetics, part of Exact Sciences
Classification: Likely benign for CELSR1-related condition. Last evaluated: 2024-06-01. Review status: no assertion criteria provided. Collection method: clinical testing. Allele origin: germline. Not counted in ClinVar's aggregate classification.
Comment: This variant is classified as likely benign based on ACMG/AMP sequence variant interpretation guidelines (Richards et al. 2015 PMID: 25741868, with internal and published modifications).

NM_001378328.1(CELSR1):c.4249A>G (p.Thr1417Ala)

Gene: CELSR1 (cadherin EGF LAG seven-pass G-type receptor 1; minus strand). Cytogenetic location: 22q13.31.
Variant type: single nucleotide variant.
Coding change: c.4249A>G on transcript NM_001378328.1 (MANE Select); coding-DNA position 4249, A replaced by G.
Protein change: p.Thr1417Ala; replaces threonine 1417 with alanine.
Molecular consequence: missense variant.
Genome position (GRCh38, 1-based): chr22:46,439,346, T>C on the plus strand (A>G on the coding strand, the complement: CELSR1 is on the minus strand). VCF-style: chr22-46439346-T-C. GRCh37 (hg19) VCF-style: chr22-46835243-T-C.
Other names: c.4249A>G, p.Thr1417Ala (NM_014246.4); short protein forms T1417A.
Identifiers: ClinVar variation 3141980 (VCV003141980.4), dbSNP rs140069149, ClinGen allele CA10294739.